The following is an entry in ClinVar:

NM_017714.3(TASP1):c.143_144dup (p.Gly49fs)

Gene: TASP1 (taspase 1; minus strand). Cytogenetic location: 20p12.1.
Variant type: Duplication.
Coding change: c.143_144dup on transcript NM_017714.3 (MANE Select); coding-DNA positions 143 to 144, 2 bases duplicated (CA; older notation c.143_144dupCA).
Protein change: p.Gly49fs; shifts the reading frame from glycine 49.
Molecular consequence: frameshift variant. On other transcripts: 5 prime UTR variant (2), non-coding transcript variant (4).
Genome position (GRCh38, 1-based): chr20:13,629,935-13,629,936, TG duplicated on the plus strand (CA on the coding strand, the reverse complement: TASP1 is on the minus strand). VCF-style (leftmost placement, unchanged base first): chr20-13629934-C-CTG. GRCh37 (hg19) VCF-style: chr20-13610581-C-CTG.
Other names: c.143_144dup, p.Gly49fs (NM_001323602.2); c.-431_-430dup (NM_001323603.2); c.-239_-238dup (NM_001323604.2); short protein forms G49fs.
Identifiers: ClinVar variation 4883997 (VCV004883997.2).

ClinVar aggregate classification (germline): Uncertain significance (1 of 4 stars; one submission).

Submission:

Dasa
Classification: Uncertain significance. Last evaluated: 2026-01-27. Review status: criteria provided, single submitter. Criteria: DASA Assertion Criteria. Collection method: clinical testing. Allele origin: germline.
Comment: NM_017714.3(TASP1):c.143_144dup (p.Gly49Glnfs*60) is a frameshift variant in TASP1 predicted to alter the reading frame and introduce a premature termination codon and is predicted to result in an absent or altered protein product. This variant is rare in population databases. The currently available literature and clinical evidence are not sufficient to establish a definitive association between this variant and the reported condition. Therefore, this variant is classified as a variant of uncertain significance.